The following is an entry in ClinVar:

NM_013275.6(ANKRD11):c.158_170del (p.Glu53fs)

Gene: ANKRD11 (ankyrin repeat domain 11; minus strand). Cytogenetic location: 16q24.3.
Variant type: Deletion.
Coding change: c.158_170del on transcript NM_013275.6 (MANE Select); coding-DNA positions 158 to 170, 13 bases deleted (AGCGAGCCAGCAA).
Protein change: p.Glu53fs; shifts the reading frame from glutamic acid 53.
Molecular consequence: frameshift variant. On other transcripts: non-coding transcript variant (1).
Genome position (GRCh38, 1-based): chr16:89,305,262-89,305,274, TTGCTGGCTCGCT deleted on the plus strand (AGCGAGCCAGCAA on the coding strand, the reverse complement: ANKRD11 is on the minus strand). VCF-style (leftmost placement, unchanged base first): chr16-89305261-CTTGCTGGCTCGCT-C. GRCh37 (hg19) VCF-style: chr16-89371669-CTTGCTGGCTCGCT-C.
Other names: c.158_170del, p.Glu53fs (NM_001256182.2, NM_001256183.2); short protein forms E53fs.
Identifiers: ClinVar variation 3724537 (VCV003724537.2).

ClinVar aggregate classification (germline): Pathogenic (1 of 4 stars; one submission).

Conditions:
KBG syndrome (KBGS). Also called: ANKRD11-Related KBG Syndrome. Identifiers: Orphanet 2332, MedGen C0220687, MONDO:0007846, OMIM 148050.

Submission:

Labcorp Genetics (formerly Invitae), Labcorp
Classification: Pathogenic for KBG syndrome. Last evaluated: 2024-11-03. Review status: criteria provided, single submitter. Criteria: Invitae Variant Classification Sherloc (09022015). Collection method: clinical testing. Allele origin: germline.
Comment: This sequence change creates a premature translational stop signal (p.Glu53Glyfs*67) in the ANKRD11 gene. It is expected to result in an absent or disrupted protein product. Loss-of-function variants in ANKRD11 are known to be pathogenic (PMID: 21782149, 25125236, 25413698, 25652421). This variant is not present in population databases (gnomAD no frequency). This variant has not been reported in the literature in individuals affected with ANKRD11-related conditions. For these reasons, this variant has been classified as Pathogenic.

Literature cited by the submitters: PubMed 21782149; PubMed 25125236; PubMed 25413698; PubMed 25652421.